The following is an entry in ClinVar:

NM_182961.4(SYNE1):c.22547T>C (p.Ile7516Thr)

Gene: SYNE1 (spectrin repeat containing nuclear envelope protein 1; minus strand). Cytogenetic location: 6q25.2.
Variant type: single nucleotide variant.
Coding change: c.22547T>C on transcript NM_182961.4 (MANE Select); coding-DNA position 22547, T replaced by C.
Protein change: p.Ile7516Thr; replaces isoleucine 7516 with threonine.
Molecular consequence: missense variant.
Genome position (GRCh38, 1-based): chr6:152,211,536, A>G on the plus strand (T>C on the coding strand, the complement: SYNE1 is on the minus strand). VCF-style: chr6-152211536-A-G. GRCh37 (hg19) VCF-style: chr6-152532671-A-G.
Other names: c.22334T>C, p.Ile7445Thr (NM_033071.5); short protein forms I7516T, I7445T.
Identifiers: ClinVar variation 943759 (VCV000943759.13), dbSNP rs190781696, ClinGen allele CA4053851.
Genomic context (GRCh38, chr6:152,211,536, plus strand): 5'-ATTTATCAAAGATCCTACCTGTCATCAACTTGACCTTGTTCTAGAAGACGTTGCCCATCA[A>G]TAATGATTGAGTGCAAAATCTGCTGACGACTGAACATCTCGGCTTGAAACAACTATAATT-3'
Protein context (NP_892006.3, residues 7506-7526): SRQQILHSII[Ile7516Thr]DGQRLLEQGQ

ClinVar aggregate classification (germline): Uncertain significance. Review status: criteria provided, multiple submitters, no conflicts (2 of 4 stars). 3 submissions from 3 submitters: Uncertain significance (3). Last evaluated 2024-08-28.

Conditions:
Emery-Dreifuss muscular dystrophy 4, autosomal dominant (EDMD4). Also called: EMERY-DREIFUSS MUSCULAR DYSTROPHY 4 WITH VARIABLE FEATURES. Identifiers: Orphanet 261, MedGen C2751807, MONDO:0013071, OMIM 612998.
Autosomal recessive ataxia, Beauce type. Also called: Spinocerebellar ataxia, autosomal recessive 8; ATAXIA, RECESSIVE, OF BEAUCE; SYNE1-Related Autosomal Recessive Cerebellar Ataxia; SYNE1 Deficiency. Identifiers: Orphanet 88644, MedGen C1853116, MONDO:0012549, OMIM 610743.

Allele frequency attached by ClinVar (database versions not stated): gnomAD exomes 0.00001 and 0.00003; ExAC 0.00003; TOPMed 0.00003; gnomAD 0.00004; 1000 Genomes Project 30x 0.00016; 1000 Genomes Project 0.00020.
gnomAD v4.1: 29 of 1,613,976 alleles (0.0018%); highest among the groups gnomAD compares: African/African-American, 0.019%; no homozygotes.

Submissions (3):

Labcorp Genetics (formerly Invitae), Labcorp
Classification: Uncertain significance for Emery-Dreifuss muscular dystrophy 4, autosomal dominant; Autosomal recessive ataxia, Beauce type. Last evaluated: 2024-08-28. Review status: criteria provided, single submitter. Criteria: Invitae Variant Classification Sherloc (09022015). Collection method: clinical testing. Allele origin: germline.
Comment: This sequence change replaces isoleucine, which is neutral and non-polar, with threonine, which is neutral and polar, at codon 7445 of the SYNE1 protein (p.Ile7445Thr). This variant is present in population databases (rs190781696, gnomAD 0.02%). This variant has not been reported in the literature in individuals affected with SYNE1-related conditions. ClinVar contains an entry for this variant (Variation ID: 943759). An algorithm developed to predict the effect of missense changes on protein structure and function outputs the following: PolyPhen-2: "Benign". The threonine amino acid residue is found in multiple mammalian species, which suggests that this missense change does not adversely affect protein function. In summary, the available evidence is currently insufficient to determine the role of this variant in disease. Therefore, it has been classified as a Variant of Uncertain Significance.

Pittsburgh Clinical Genomics Laboratory, University of Pittsburgh Medical Center
Classification: Uncertain significance for Emery-Dreifuss muscular dystrophy 4, autosomal dominant. Last evaluated: 2023-07-28. Review status: criteria provided, single submitter. Criteria: ACMG Guidelines, 2015. Collection method: clinical testing. Allele origin: germline. Inheritance: Autosomal unknown. Affected: yes.
Comment: This sequence variant is a single nucleotide substitution (T>C) at position 22334 of the coding sequence of the SYNE1 gene that results in an isoleucine to threonine amino acid change at residue 7445 of the SYNE1 protein. This residue falls in spectrin repeat 65 of the SYNE1 protein (UniProt). This is a previously reported variant (ClinVar 943759) that has not been observed in the literature in individuals with SYNE1-related disease, to our knowledge. This variant is present in 8 of 251114 alleles (0.0032%) in the gnomAD population dataset. Multiple bioinformatic tools predict that this isoleucine to threonine amino acid change would be neutral, and the Ile7445 residue at this position is moderately conserved across the vertebrate species examined. Studies examining the functiol consequence of this variant have not been performed, to our knowledge. At this time, there is insufficient evidence to determine if this variant is pathogenic or benign. Therefore, we consider this a variant of uncertain significance. ACMG Criteria: BP1, BP4, PM2

Revvity Omics, Revvity
Classification: Uncertain significance. Last evaluated: 2019-06-24. Review status: criteria provided, single submitter. Criteria: ACMG Guidelines, 2015. Collection method: clinical testing. Allele origin: germline.